The following is an entry in ClinVar:

NM_003921.5(BCL10):c.13G>T (p.Ala5Ser)

Genes: BCL10 (BCL10 immune signaling adaptor; minus strand), LOC126805771 (CDK7 strongly-dependent group 2 enhancer GRCh37_chr1:85741508-85742707; plus strand). Cytogenetic location: 1p22.3.
Variant type: single nucleotide variant.
Coding change: c.13G>T on transcript NM_003921.5 (MANE Select); coding-DNA position 13, G replaced by T.
Protein change: p.Ala5Ser; replaces alanine 5 with serine.
Molecular consequence: missense variant.
Genome position (GRCh38, 1-based): chr1:85,276,340, C>A on the plus strand (G>T on the coding strand, the complement: BCL10 is on the minus strand). VCF-style: chr1-85276340-C-A. GRCh37 (hg19) VCF-style: chr1-85742023-C-A.
Other names: c.13G>T, p.Ala5Ser (LRG_1210t1, NM_001320715.2); short protein forms A5S.
Identifiers: ClinVar variation 475271 (VCV000475271.15), dbSNP rs12037217, ClinGen allele CA929838.

ClinVar aggregate classification (germline): Benign/Likely benign. Review status: criteria provided, multiple submitters, no conflicts (2 of 4 stars). 4 submissions from 4 submitters: Benign (2); Likely benign (1). 1 of the submissions does not count toward it. Last evaluated 2026-02-03.

Conditions:
Immunodeficiency 37 (IMD37). Identifiers: MedGen C4015195, MONDO:0014491, OMIM 616098.
BCL10-related disorder. Also called: BCL10-related condition.

Allele frequency attached by ClinVar (database versions not stated): ESP Exome Variant Server 0.02014; gnomAD 0.02166 and 0.02271; TOPMed 0.02548; ExAC 0.02908; gnomAD exomes 0.03004; 1000 Genomes Project 30x 0.03232; 1000 Genomes Project 0.03494.
gnomAD v4.1: 39,674 of 1,613,546 alleles (2.5%); highest among the groups gnomAD compares: East Asian, 8.7%; 780 homozygotes.

Submissions (4):

Labcorp Genetics (formerly Invitae), Labcorp
Classification: Benign for Immunodeficiency 37. Last evaluated: 2026-02-03. Review status: criteria provided, single submitter. Criteria: Invitae Variant Classification Sherloc (09022015). Collection method: clinical testing. Allele origin: germline.

Women's Health and Genetics/Laboratory Corporation of America, LabCorp
Classification: Likely benign. Last evaluated: 2026-01-21. Review status: criteria provided, single submitter. Criteria: LabCorp Variant Classification Summary - May 2015. Collection method: clinical testing. Allele origin: germline.

Breakthrough Genomics
Classification: Benign. Review status: criteria provided, single submitter. Criteria: ACMG Guidelines, 2015. Collection method: not provided. Allele origin: germline. Inheritance: Autosomal recessive inheritance. Affected: yes.

PreventionGenetics, part of Exact Sciences
Classification: Benign for BCL10-related condition. Last evaluated: 2019-07-02. Review status: no assertion criteria provided. Collection method: clinical testing. Allele origin: germline. Not counted in ClinVar's aggregate classification.
Comment: This variant is classified as benign based on ACMG/AMP sequence variant interpretation guidelines (Richards et al. 2015 PMID: 25741868, with internal and published modifications).